The following is an entry in ClinVar:

ClinVar aggregate classification (germline): Likely benign. Review status: criteria provided, multiple submitters, no conflicts (2 of 4 stars). 2 submissions from 2 submitters: Likely benign (2). Last evaluated 2025-05-21.

Conditions:
Emery-Dreifuss muscular dystrophy 4, autosomal dominant (EDMD4). Also called: EMERY-DREIFUSS MUSCULAR DYSTROPHY 4 WITH VARIABLE FEATURES. Identifiers: Orphanet 261, MedGen C2751807, MONDO:0013071, OMIM 612998.
Autosomal recessive ataxia, Beauce type. Also called: ATAXIA, RECESSIVE, OF BEAUCE; SYNE1-Related Autosomal Recessive Cerebellar Ataxia; Spinocerebellar ataxia, autosomal recessive 8; SYNE1 Deficiency. Identifiers: Orphanet 88644, MedGen C1853116, MONDO:0012549, OMIM 610743.

Allele frequency attached by ClinVar (database versions not stated): ExAC 0.00001; gnomAD exomes 0.00001 and 0.00005; gnomAD 0.00002 and 0.00003; TOPMed 0.00004.
gnomAD v4.1: 67 of 1,586,446 alleles (0.0042%); highest among the groups gnomAD compares: Non-Finnish European, 0.0055%; no homozygotes.

Submissions (2):

Labcorp Genetics (formerly Invitae), Labcorp
Classification: Likely benign for Emery-Dreifuss muscular dystrophy 4, autosomal dominant; Autosomal recessive ataxia, Beauce type. Last evaluated: 2025-05-21. Review status: criteria provided, single submitter. Criteria: Invitae Variant Classification Sherloc (09022015). Collection method: clinical testing. Allele origin: germline.

GeneDx
Classification: Likely benign. Last evaluated: 2016-09-26. Review status: criteria provided, single submitter. Criteria: GeneDx Variant Classification (06012015). Collection method: clinical testing. Allele origin: germline. Affected: yes.
Comment: This variant is considered likely benign or benign based on one or more of the following criteria: it is a conservative change, it occurs at a poorly conserved position in the protein, it is predicted to be benign by multiple in silico algorithms, and/or has population frequency not consistent with disease.

NM_182961.4(SYNE1):c.6724-14T>C

Genes: SYNE1 (spectrin repeat containing nuclear envelope protein 1; minus strand), SYNE1-AS2 (SYNE1 antisense RNA 2; plus strand). Cytogenetic location: 6q25.2.
Variant type: single nucleotide variant.
Coding change: c.6724-14T>C on transcript NM_182961.4 (MANE Select); 14 bases into the intron before coding-DNA position 6724, T replaced by C.
Molecular consequence: intron variant.
Genome position (GRCh38, 1-based): chr6:152,404,328, A>G on the plus strand (T>C on the coding strand, the complement: SYNE1 is on the minus strand). VCF-style: chr6-152404328-A-G. GRCh37 (hg19) VCF-style: chr6-152725463-A-G.
Other names: c.6745-14T>C (NM_033071.5).
Identifiers: ClinVar variation 389232 (VCV000389232.3), dbSNP rs768271718, ClinGen allele CA4058003.
Genomic context (GRCh38, chr6:152,404,328, plus strand): 5'-TTGGAATGCAGTTCTTCCAATCTCAATGCTTTGTTTTTAACTTCAGACTGCCAAAAGGGA[A>G]GAAACATAACTAATCAAAAACACTGACATGCTATATTTGGCATTTAATAATTTCAAGAAG-3'